The following is an entry in ClinVar:

ClinVar aggregate classification (germline): Uncertain significance (1 of 4 stars; one submission).

Submission:

GeneDx
Classification: Uncertain significance. Last evaluated: 2017-06-15. Review status: criteria provided, single submitter. Criteria: GeneDx Variant Classification (06012015). Collection method: clinical testing. Allele origin: germline. Affected: yes.
Comment: The c.613_615delAGT variant in the NAA10 gene has not been reported previously as a pathogenic variant nor as a benign variant, to our knowledge. The c.613_615delAGT variant causes an in-frame deletion of one amino acid residue that is not conserved across species, denoted p.S205del. The c.613_615delAGT variant is not observed in large population cohorts (Lek et al., 2016; 1000 Genomes Consortium et al., 2015; Exome Variant Server). We interpret c.613_615delAGT as a variant of uncertain significance.

NM_003491.4(NAA10):c.613_615del (p.Ser205del)

Gene: NAA10 (N-alpha-acetyltransferase 10, NatA catalytic subunit; minus strand). Cytogenetic location: Xq28.
Variant type: Deletion.
Coding change: c.613_615del on transcript NM_003491.4 (MANE Select); coding-DNA positions 613 to 615, 3 bases deleted (AGT; older notation c.613_615delAGT).
Protein change: p.Ser205del; deletes serine 205.
Molecular consequence: inframe deletion.
Genome position (GRCh38, 1-based): chrX:153,930,080-153,930,082, ACT deleted on the plus strand (AGT on the coding strand, the reverse complement: NAA10 is on the minus strand); deleting any 3 consecutive bases within chrX:153,930,080-153,930,083 gives the same sequence; the c. name uses the placement nearest the transcript's 3' end. VCF-style (leftmost placement, unchanged base first): chrX-153930079-CACT-C. GRCh37 (hg19) VCF-style: chrX-153195532-CACT-C.
Other names: c.568_570del, p.Ser190del (NM_001256119.2); c.595_597del, p.Ser199del (NM_001256120.2); short protein forms S205del, S190del, S199del.
Identifiers: ClinVar variation 432928 (VCV000432928.2), dbSNP rs1191952128, ClinGen allele CA645373317.